The following is an entry in ClinVar:

ClinVar aggregate classification (germline): Uncertain significance (1 of 4 stars; one submission).

Conditions:
Dyskeratosis congenita, autosomal recessive 6 (DKCB6). Identifiers: MedGen C4225356, MONDO:0014600, OMIM 616353.
Pulmonary fibrosis and/or bone marrow failure, Telomere-related, 4. Also called: PULMONARY FIBROSIS AND/OR BONE MARROW FAILURE SYNDROME, TELOMERE-RELATED, 4. Identifiers: Orphanet 2032, MedGen C4225347, MONDO:0014612, OMIM 616371.

Allele frequency attached by ClinVar (database versions not stated): gnomAD exomes below 0.00001.
gnomAD v4.1: 2 of 1,611,202 alleles (0.00012%); highest among the groups gnomAD compares: Non-Finnish European, 0.000085%; no homozygotes.

Submission:

Labcorp Genetics (formerly Invitae), Labcorp
Classification: Uncertain significance for Dyskeratosis congenita, autosomal recessive 6; Pulmonary fibrosis and/or bone marrow failure, Telomere-related, 4. Last evaluated: 2023-12-27. Review status: criteria provided, single submitter. Criteria: Invitae Variant Classification Sherloc (09022015). Collection method: clinical testing. Allele origin: germline.
Comment: This sequence change replaces asparagine, which is neutral and polar, with threonine, which is neutral and polar, at codon 7 of the PARN protein (p.Asn7Thr). This variant is not present in population databases (gnomAD no frequency). This variant has not been reported in the literature in individuals affected with PARN-related conditions. An algorithm developed to predict the effect of missense changes on protein structure and function (PolyPhen-2) suggests that this variant is likely to be disruptive. In summary, the available evidence is currently insufficient to determine the role of this variant in disease. Therefore, it has been classified as a Variant of Uncertain Significance.

NM_002582.4(PARN):c.20A>C (p.Asn7Thr)

Gene: PARN (poly(A)-specific ribonuclease; minus strand). Cytogenetic location: 16p13.12.
Variant type: single nucleotide variant.
Coding change: c.20A>C on transcript NM_002582.4 (MANE Select); coding-DNA position 20, A replaced by C.
Protein change: p.Asn7Thr; replaces asparagine 7 with threonine.
Molecular consequence: missense variant. On other transcripts: 5 prime UTR variant (1).
Genome position (GRCh38, 1-based): chr16:14,629,674, T>G on the plus strand (A>C on the coding strand, the complement: PARN is on the minus strand). VCF-style: chr16-14629674-T-G. GRCh37 (hg19) VCF-style: chr16-14723531-T-G.
Other names: c.-164A>C (NM_001134477.3); c.20A>C, p.Asn7Thr (NM_001242992.2); short protein forms N7T.
Identifiers: ClinVar variation 2933997 (VCV002933997.3), dbSNP rs2508661176, ClinGen allele CA394818740.